The following is an entry in ClinVar:

NM_000093.5(COL5A1):c.4905C>T (p.Pro1635=)

Genes: COL5A1 (collagen type V alpha 1 chain; plus strand), LOC101448202 (uncharacterized LOC101448202; minus strand). Cytogenetic location: 9q34.3.
Variant type: single nucleotide variant.
Coding change: c.4905C>T on transcript NM_000093.5 (MANE Select); coding-DNA position 4905, C replaced by T.
Protein change: p.Pro1635=; no amino-acid change (proline 1635 retained).
Molecular consequence: synonymous variant.
Genome position (GRCh38, 1-based): chr9:134,824,806, C>T. VCF-style: chr9-134824806-C-T. GRCh37 (hg19) VCF-style: chr9-137716652-C-T.
Other names: c.4905C>T, p.Pro1635= (NM_001278074.1).
Identifiers: ClinVar variation 459704 (VCV000459704.14), dbSNP rs760426595, ClinGen allele CA5320498.

ClinVar aggregate classification (germline): Likely benign. Review status: criteria provided, multiple submitters, no conflicts (2 of 4 stars). 4 submissions from 4 submitters: Likely benign (4). Last evaluated 2025-08-13.

Conditions:
Ehlers-Danlos syndrome, classic type, 1 (EDSCL1). Also called: EHLERS-DANLOS SYNDROME, GRAVIS TYPE; EHLERS-DANLOS SYNDROME, SEVERE CLASSIC TYPE; EDS I; Ehlers-Danlos Syndrome, Classic Type, COL5A1-Related; Ehlers-Danlos syndrome, type 1. Identifiers: MedGen C0268335, MONDO:0019567, OMIM 130000.
Familial thoracic aortic aneurysm and aortic dissection (TAAD). Also called: Thoracic aortic aneurysms and dissections. Identifiers: Orphanet 91387, MedGen C4707243, MONDO:0019625.

Allele frequency attached by ClinVar (database versions not stated): gnomAD exomes 0.00001 and 0.00002; gnomAD 0.00003; TOPMed 0.00005; ExAC 0.00002.
gnomAD v4.1: 35 of 1,613,866 alleles (0.0022%); highest among the groups gnomAD compares: Admixed American, 0.0033%; no homozygotes.

Submissions (4):

Labcorp Genetics (formerly Invitae), Labcorp
Classification: Likely benign for Ehlers-Danlos syndrome, classic type, 1. Last evaluated: 2025-08-13. Review status: criteria provided, single submitter. Criteria: Invitae Variant Classification Sherloc (09022015). Collection method: clinical testing. Allele origin: germline.

Women's Health and Genetics/Laboratory Corporation of America, LabCorp
Classification: Likely benign. Last evaluated: 2023-07-21. Review status: criteria provided, single submitter. Criteria: LabCorp Variant Classification Summary - May 2015. Collection method: clinical testing. Allele origin: germline.

GeneDx
Classification: Likely benign. Last evaluated: 2021-05-06. Review status: criteria provided, single submitter. Criteria: GeneDx Variant Classification Process June 2021. Collection method: clinical testing. Allele origin: germline. Affected: yes.
Comment: See Variant Classification Assertion Criteria.

Ambry Genetics
Classification: Likely benign for Familial thoracic aortic aneurysm and aortic dissection. Last evaluated: 2018-07-31. Review status: criteria provided, single submitter. Criteria: Ambry Variant Classification Scheme 2023. Collection method: clinical testing. Allele origin: germline.